The following is an entry in ClinVar:

ClinVar aggregate classification (germline): Likely benign (1 of 4 stars; one submission).

Conditions:
SPTLC1-related disorder. Also called: SPTLC1-related condition.

Submission:

PreventionGenetics, part of Exact Sciences
Classification: Likely benign for SPTLC1-related condition. Last evaluated: 2026-01-22. Review status: criteria provided, single submitter. Criteria: ACMG Guidelines, 2015. Collection method: clinical testing. Allele origin: germline.
Comment: This variant is classified as likely benign based on ACMG/AMP sequence variant interpretation guidelines (Richards et al. 2015 PMID: 25741868, with internal and published modifications).

NM_006415.4(SPTLC1):c.690+6_690+24del

Gene: SPTLC1 (serine palmitoyltransferase long chain base subunit 1; minus strand). Cytogenetic location: 9q22.31.
Variant type: Deletion.
Coding change: c.690+6_690+24del on transcript NM_006415.4 (MANE Select); bases 6 to 24 of the intron after coding-DNA position 690, 19 bases deleted (ATTCTTTTGAAGAAAATTA).
Molecular consequence: intron variant.
Genome position (GRCh38, 1-based): chr9:92,059,155-92,059,173, TAATTTTCTTCAAAAGAAT deleted on the plus strand (ATTCTTTTGAAGAAAATTA on the coding strand, the reverse complement: SPTLC1 is on the minus strand). VCF-style (leftmost placement, unchanged base first): chr9-92059154-ATAATTTTCTTCAAAAGAAT-A. GRCh37 (hg19) VCF-style: chr9-94821436-ATAATTTTCTTCAAAAGAAT-A.
Other names: c.690+6_690+24del (NM_001281303.2); c.324+6_324+24del (NM_001368272.1); c.225+6_225+24del (NM_001368273.1).
Identifiers: ClinVar variation 4982966 (VCV004982966.1).